The following is an entry in ClinVar:

NM_001126128.2(PROK2):c.364C>T (p.Arg122Ter)

Gene: PROK2 (prokineticin 2; minus strand). Cytogenetic location: 3p13.
Variant type: single nucleotide variant.
Coding change: c.364C>T on transcript NM_001126128.2 (MANE Select); coding-DNA position 364, C replaced by T.
Protein change: p.Arg122Ter; replaces arginine 122 with a stop codon.
Molecular consequence: nonsense.
Genome position (GRCh38, 1-based): chr3:71,772,750, G>A on the plus strand (C>T on the coding strand, the complement: PROK2 is on the minus strand). VCF-style: chr3-71772750-G-A. GRCh37 (hg19) VCF-style: chr3-71821901-G-A.
Other names: c.301C>T, p.Arg101Ter (NM_021935.4); c.364C>T (NM_001126128.1); short protein forms R101*, R122*.
Identifiers: ClinVar variation 1365882 (VCV001365882.7), dbSNP rs751742071, ClinGen allele CA2491951.

ClinVar aggregate classification (germline): Uncertain significance. Review status: criteria provided, multiple submitters, no conflicts (2 of 4 stars). 2 submissions from 2 submitters: Uncertain significance (2). Last evaluated 2025-09-30.

Conditions:
PROK2-related disorder. Also called: PROK2-related condition.

Allele frequency attached by ClinVar (database versions not stated): gnomAD exomes below 0.00001; ExAC 0.00001.
gnomAD v4.1: 7 of 1,614,050 alleles (0.00043%); highest among the groups gnomAD compares: East Asian, 0.0022%; no homozygotes.

Submissions (2):

PreventionGenetics, part of Exact Sciences
Classification: Uncertain significance for PROK2-related condition. Last evaluated: 2025-09-30. Review status: criteria provided, single submitter. Criteria: ACMG Guidelines, 2015. Collection method: clinical testing. Allele origin: germline.
Comment: The PROK2 c.364C>T variant is predicted to result in premature protein termination (p.Arg122*). This variant was reported in an individual with Kallmann syndrome; however, pathogenicity was not established (Sarfati et al 2013. PubMed ID: 24031091). A limited number of loss of function variants have been reported in the PROK2 gene at this time (Human Gene Mutation Database). This variant is reported in 0.0029% of alleles in individuals of Latino descent in gnomAD. Although we suspect that this variant may be pathogenic, at this time, the clinical significance of this variant is uncertain due to the absence of conclusive functional and genetic evidence.

Labcorp Genetics (formerly Invitae), Labcorp
Classification: Uncertain significance. Last evaluated: 2021-09-05. Review status: criteria provided, single submitter. Criteria: Invitae Variant Classification Sherloc (09022015). Collection method: clinical testing. Allele origin: germline.
Comment: In summary, the available evidence is currently insufficient to determine the role of this variant in disease. Therefore, it has been classified as a Variant of Uncertain Significance. This premature translational stop signal has been observed in individual(s) with Kallmann syndrome (PMID: 24031091). This variant is present in population databases (rs751742071, ExAC 0.009%). This sequence change creates a premature translational stop signal (p.Arg122*) in the PROK2 gene. While this is not anticipated to result in nonsense mediated decay, it is expected to disrupt the last 8 amino acid(s) of the PROK2 protein.

Literature cited by the submitters: PubMed 24031091 (cited by Labcorp Genetics (formerly Invitae), Labcorp).